The following is an entry in ClinVar:

ClinVar aggregate classification (germline): Benign (1 of 4 stars; one submission).

Allele frequency attached by ClinVar (database versions not stated): gnomAD exomes 0.00189; gnomAD 0.01911 and 0.02031; TOPMed 0.02129; 1000 Genomes Project 0.02596; 1000 Genomes Project 30x 0.02733.

Submission:

GeneDx
Classification: Benign. Last evaluated: 2018-06-19. Review status: criteria provided, single submitter. Criteria: GeneDx Variant Classification (06012015). Collection method: clinical testing. Allele origin: germline. Affected: yes.
Comment: This variant is considered likely benign or benign based on one or more of the following criteria: it is a conservative change, it occurs at a poorly conserved position in the protein, it is predicted to be benign by multiple in silico algorithms, and/or has population frequency not consistent with disease.

NM_001127222.2(CACNA1A):c.785-120del

Gene: CACNA1A (calcium voltage-gated channel subunit alpha1 A; minus strand). Cytogenetic location: 19p13.13.
Variant type: Deletion.
Coding change: c.785-120del on transcript NM_001127222.2 (MANE Select); 120 bases into the intron before coding-DNA position 785, one base deleted (T; older notation c.785-120delT).
Molecular consequence: intron variant.
Genome position (GRCh38, 1-based): chr19:13,359,919, A deleted on the plus strand (T on the coding strand, the reverse complement: CACNA1A is on the minus strand). VCF-style (leftmost placement, unchanged base first): chr19-13359918-CA-C. GRCh37 (hg19) VCF-style: chr19-13470732-CA-C.
Other names: c.785-120del (NM_001127221.2, NM_001174080.2, NM_000068.4 and 1 more transcripts); c.785-120delT (NM_001127221.1).
Identifiers: ClinVar variation 677330 (VCV000677330.1), dbSNP rs150584850, ClinGen allele CA305554959.